The following is an entry in ClinVar:

ClinVar aggregate classification (germline): Uncertain significance (1 of 4 stars; one submission).

Conditions:
Hypodontia. Also called: TOOTH AGENESIS, FAMILIAL; Tooth agenesis, selective; Partial congenital absence of teeth. Identifiers: Orphanet 99798, MedGen C0020608, MONDO:0005486, HP:0000668. Disease mechanism: loss of function.

Submission:

Labcorp Genetics (formerly Invitae), Labcorp
Classification: Uncertain significance for Hypodontia. Last evaluated: 2025-11-27. Review status: criteria provided, single submitter. Criteria: Invitae Variant Classification Sherloc (09022015). Collection method: clinical testing. Allele origin: germline.
Comment: This variant, c.99_116del, results in the deletion of 6 amino acid(s) of the PAX9 protein (p.Gln34_Pro39del), but otherwise preserves the integrity of the reading frame. This variant is not present in population databases (gnomAD no frequency). This variant has been observed in individual(s) with hypodontia (internal data). It has also been observed to segregate with disease in related individuals. ClinVar contains an entry for this variant (Variation ID: 955304). Experimental studies and prediction algorithms are not available or were not evaluated, and the functional significance of this variant is currently unknown. In summary, the available evidence is currently insufficient to determine the role of this variant in disease. Therefore, it has been classified as a Variant of Uncertain Significance.

NM_001372076.1(PAX9):c.99_116del (p.Gln34_Pro39del)

Gene: PAX9 (paired box 9; plus strand). Cytogenetic location: 14q13.3.
Variant type: Deletion.
Coding change: c.99_116del on transcript NM_001372076.1 (MANE Select); coding-DNA positions 99 to 116, 18 bases deleted (CCAACTGGGCATCCGACC).
Protein change: p.Gln34_Pro39del.
Molecular consequence: inframe deletion.
Genome position (GRCh38, 1-based): chr14:36,662,991-36,663,008, CCAACTGGGCATCCGACC deleted; deleting any 18 consecutive bases within chr14:36,662,990-36,663,008 gives the same sequence; the c. name uses the placement nearest the transcript's 3' end. VCF-style (leftmost placement, unchanged base first): chr14-36662989-GCCCAACTGGGCATCCGAC-G. GRCh37 (hg19) VCF-style: chr14-37132194-GCCCAACTGGGCATCCGAC-G.
Other names: c.99_116del, p.Gln34_Pro39del (NM_006194.4).
Identifiers: ClinVar variation 955304 (VCV000955304.9), dbSNP rs1881339978, ClinGen allele CA1139663448.
Genomic context (GRCh38, chr14:36,662,989, plus strand): 5'-GGAGTGTTCGTGAACGGGAGGCCGCTGCCCAACGCCATCCGGCTTCGCATCGTGGAACTG[GCCCAACTGGGCATCCGAC>G]CGTGTGACATCAGCCGCCAGCTACGGGTCTCGCACGGCTGCGTCAGCAAGATCCTGGCGC-3'